The following is an entry in ClinVar:

ClinVar aggregate classification (germline): Conflicting classifications of pathogenicity. Review status: criteria provided, conflicting classifications (1 of 4 stars). 2 submissions from 2 submitters: Uncertain significance (1); Likely benign (1). Last evaluated 2025-12-22.

Conditions:
COL7A1-related disorder. Also called: COL7A1-related condition; COL7A1- related disorders.

Allele frequency attached by ClinVar (database versions not stated): gnomAD 0.00002; gnomAD exomes 0.00006 and 0.00015; TOPMed 0.00012; ExAC 0.00015.
gnomAD v4.1: 40 of 1,613,650 alleles (0.0025%); highest among the groups gnomAD compares: Admixed American, 0.067%; no homozygotes.

Submissions (2):

Labcorp Genetics (formerly Invitae), Labcorp
Classification: Likely benign. Last evaluated: 2025-12-22. Review status: criteria provided, single submitter. Criteria: Invitae Variant Classification Sherloc (09022015). Collection method: clinical testing. Allele origin: germline.

PreventionGenetics, part of Exact Sciences
Classification: Uncertain significance for COL7A1-related condition. Last evaluated: 2025-08-29. Review status: criteria provided, single submitter. Criteria: ACMG Guidelines, 2015. Collection method: clinical testing. Allele origin: germline.
Comment: The COL7A1 c.5771A>T variant is predicted to result in the amino acid substitution p.Gln1924Leu. This variant occurs at the last nucleotide of the exon and is predicted to possibly alter splicing based on available splicing prediction programs (SpliceAI, Jaganathan et al. 2019. PubMed ID: 30661751). However, the use of computer prediction programs is not equivalent to functional evidence. To our knowledge, this variant has not been reported in the literature. This variant is reported in 0.11% of alleles in individuals of Latino descent in gnomAD. Although we suspect that this variant may be benign, at this time, the clinical significance of this variant is uncertain due to the absence of conclusive functional and genetic evidence.

NM_000094.4(COL7A1):c.5771A>T (p.Gln1924Leu)

Gene: COL7A1 (collagen type VII alpha 1 chain; minus strand). Cytogenetic location: 3p21.31.
Variant type: single nucleotide variant.
Coding change: c.5771A>T on transcript NM_000094.4 (MANE Select); coding-DNA position 5771, A replaced by T.
Protein change: p.Gln1924Leu; replaces glutamine 1924 with leucine.
Molecular consequence: missense variant.
Genome position (GRCh38, 1-based): chr3:48,576,401, T>A on the plus strand (A>T on the coding strand, the complement: COL7A1 is on the minus strand). VCF-style: chr3-48576401-T-A. GRCh37 (hg19) VCF-style: chr3-48613834-T-A.
Other names: short protein forms Q1924L.
Identifiers: ClinVar variation 631923 (VCV000631923.12), dbSNP rs746824716, ClinGen allele CA2379340.
Genomic context (GRCh38, chr3:48,576,401, plus strand): 5'-GCATGTGCACATGTGGGTGCTGTGGCTACCTGGGCATGTGGAAAAGGTGGGGGCCTCACC[T>A]GCTCCCCTTTGGATCCAGTCTCCCCACGGTCACCCTGAAAACAAGAATGACCAGGTGGGG-3'
Protein context (NP_000085.1, residues 1914-1934): DRGETGSKGE[Gln1924Leu]GLPGERGLRG